The following is an entry in ClinVar:

NM_199242.3(UNC13D):c.82_83insCTCT (p.Asp28fs)

Gene: UNC13D (unc-13 homolog D; minus strand). Cytogenetic location: 17q25.1.
Variant type: Insertion.
Coding change: c.82_83insCTCT on transcript NM_199242.3 (MANE Select); coding-DNA positions 82 to 83, CTCT inserted.
Protein change: p.Asp28fs; shifts the reading frame from aspartic acid 28.
Molecular consequence: frameshift variant.
Genome position: GRCh38 VCF-style: chr17-75844255-T-TAGAG. GRCh37 (hg19) VCF-style: chr17-73840336-T-TAGAG.
Other names: short protein forms D28fs.
Identifiers: ClinVar variation 1068528 (VCV001068528.7), dbSNP rs2143904721, ClinGen allele CA2499224942.

ClinVar aggregate classification (germline): Pathogenic (1 of 4 stars; one submission).

Conditions:
Familial hemophagocytic lymphohistiocytosis 3 (FHL3). Also called: UNC13D-Related Familial Hemophagocytic Lymphohistiocytosis (UNC13D-fHLH). Identifiers: Orphanet 540, MedGen C1837174, MONDO:0012146, OMIM 608898.

Allele frequency attached by ClinVar (database versions not stated): gnomAD exomes below 0.00001.

Submission:

Labcorp Genetics (formerly Invitae), Labcorp
Classification: Pathogenic for Familial hemophagocytic lymphohistiocytosis 3. Last evaluated: 2020-03-01. Review status: criteria provided, single submitter. Criteria: Invitae Variant Classification Sherloc (09022015). Collection method: clinical testing. Allele origin: germline.
Comment: This sequence change creates a premature translational stop signal (p.Asp28Alafs*45) in the UNC13D gene. It is expected to result in an absent or disrupted protein product. This variant is not present in population databases (ExAC no frequency). This variant has not been reported in the literature in individuals with UNC13D-related conditions. Loss-of-function variants in UNC13D are known to be pathogenic (PMID: 14622600). For these reasons, this variant has been classified as Pathogenic.

Literature cited by the submitters: PubMed 14622600.